The following is an entry in ClinVar:

ClinVar aggregate classification (germline): Uncertain significance (1 of 4 stars; one submission).

Submission:

GeneDx
Classification: Uncertain significance. Last evaluated: 2019-04-14. Review status: criteria provided, single submitter. Criteria: GeneDx Variant Classification Process June 2021. Collection method: clinical testing. Allele origin: germline. Affected: yes.
Comment: Not observed in large population cohorts (Lek et al., 2016); In silico analysis, which includes protein predictors and evolutionary conservation, supports a deleterious effect; Has not been previously published as pathogenic or benign to our knowledge

NM_014444.5(TUBGCP4):c.1849G>T (p.Gly617Cys)

Genes: TUBGCP4 (tubulin gamma complex component 4; plus strand), TP53BP1 (tumor protein p53 binding protein 1; minus strand). Cytogenetic location: 15q15.3.
Variant type: single nucleotide variant.
Coding change: c.1849G>T on transcript NM_014444.5 (MANE Select); coding-DNA position 1849, G replaced by T.
Protein change: p.Gly617Cys; replaces glycine 617 with cysteine.
Molecular consequence: missense variant. On other transcripts: 3 prime UTR variant (5).
Genome position (GRCh38, 1-based): chr15:43,404,413, G>T. VCF-style: chr15-43404413-G-T. GRCh37 (hg19) VCF-style: chr15-43696611-G-T.
Other names: c.1852G>T, p.Gly618Cys (NM_001286414.3); c.*2970C>A (NM_001141979.3, NM_001141980.3, NM_001355001.2 and 2 more transcripts); short protein forms G617C, G618C.
Identifiers: ClinVar variation 1305035 (VCV001305035.2), dbSNP rs2142901383, ClinGen allele CA392140791.
Genomic context (GRCh38, chr15:43,404,413, plus strand): 5'-CCTCCATATGGAGAGTTGGTGAGCTGAAGTGGAATGACAGCTGAGTCCTTCTCTCTGCAG[G>T]GCTTTAGCCGCCAGTCTTCACTCCTGTTCAAGATTCTCTCCAGTGTTCGGAATCATCAGA-3'
Protein context (NP_055259.2, residues 607-627): GAAQLSILVK[Gly617Cys]FSRQSSLLFK